The following is an entry in ClinVar:

NM_001039141.3(TRIOBP):c.6986G>A (p.Ser2329Asn)

Gene: TRIOBP (TRIO and F-actin binding protein; plus strand). Cytogenetic location: 22q13.1.
Variant type: single nucleotide variant.
Coding change: c.6986G>A on transcript NM_001039141.3 (MANE Select); coding-DNA position 6986, G replaced by A.
Protein change: p.Ser2329Asn; replaces serine 2329 with asparagine.
Molecular consequence: missense variant.
Genome position (GRCh38, 1-based): chr22:37,772,650, G>A. VCF-style: chr22-37772650-G-A. GRCh37 (hg19) VCF-style: chr22-38168657-G-A.
Other names: c.1847G>A, p.Ser616Asn (NM_007032.5); short protein forms S2329N, S616N.
Identifiers: ClinVar variation 228043 (VCV000228043.5), dbSNP rs876657597, ClinGen allele CA10577151.
Genomic context (GRCh38, chr22:37,772,650, plus strand): 5'-CTGCCCCCCAGGACAAGCGCTTCACCTCGGGAAAGTACCAGGACGTCTATGTGGAGCTGA[G>A]CCACATCAAGACACGGTCTGAGCGGGAGATCGAGCAGCTGAAGGAGCACCTGCGTCTTGC-3'
Protein context (NP_001034230.1, residues 2319-2339): GKYQDVYVEL[Ser2329Asn]HIKTRSEREI

ClinVar aggregate classification (germline): Likely benign (1 of 4 stars; one submission).

Allele frequency attached by ClinVar (database versions not stated): gnomAD 0.00001.
gnomAD v4.1: 5 of 1,614,044 alleles (0.00031%); no homozygotes.

Submission:

Laboratory for Molecular Medicine, Mass General Brigham Personalized Medicine
Classification: Likely benign. Last evaluated: 2015-02-24. Review status: criteria provided, single submitter. Criteria: LMM Criteria. Collection method: clinical testing. Allele origin: germline. Observed: 1 variant allele.
Comment: p.Ser2329Asn in exon 23 of TRIOBP: This variant is not expected to have clinical significance due to a lack of conservation across species, including mammals. O f note, more than 40 mammals have a asparagine (Asn) at this position despite hi gh nearby amino acid conservation. In addition, computational prediction tools s uggest a low likelihood of impact to the protein.